The following is an entry in ClinVar:

ClinVar aggregate classification (germline): Pathogenic (1 of 4 stars; one submission).

Submission:

Labcorp Genetics (formerly Invitae), Labcorp
Classification: Pathogenic. Last evaluated: 2024-08-19. Review status: criteria provided, single submitter. Criteria: Invitae Variant Classification Sherloc (09022015). Collection method: clinical testing. Allele origin: germline.
Comment: This sequence change creates a premature translational stop signal (p.Trp165*) in the NXN gene. It is expected to result in an absent or disrupted protein product. Loss-of-function variants in NXN are known to be pathogenic (PMID: 29276006, 33048444). This variant is not present in population databases (gnomAD no frequency). This variant has not been reported in the literature in individuals affected with NXN-related conditions. For these reasons, this variant has been classified as Pathogenic.

Literature cited by the submitters: PubMed 29276006; PubMed 33048444.

NM_022463.5(NXN):c.494G>A (p.Trp165Ter)

Gene: NXN (nucleoredoxin; minus strand). Cytogenetic location: 17p13.3.
Variant type: single nucleotide variant.
Coding change: c.494G>A on transcript NM_022463.5 (MANE Select); coding-DNA position 494, G replaced by A.
Protein change: p.Trp165Ter; replaces tryptophan 165 with a stop codon.
Molecular consequence: nonsense.
Genome position (GRCh38, 1-based): chr17:823,750, C>T on the plus strand (G>A on the coding strand, the complement: NXN is on the minus strand). VCF-style: chr17-823750-C-T. GRCh37 (hg19) VCF-style: chr17-726990-C-T.
Other names: c.170G>A, p.Trp57Ter (NM_001205319.1); short protein forms W165*, W57*.
Identifiers: ClinVar variation 3662860 (VCV003662860.2).